The following is an entry in ClinVar:

ClinVar aggregate classification (germline): Uncertain significance. Review status: criteria provided, multiple submitters, no conflicts (2 of 4 stars). 3 submissions from 3 submitters: Uncertain significance (3). Last evaluated 2025-10-01.

Conditions:
Cardiovascular phenotype. Identifiers: MedGen CN230736.
Dilated cardiomyopathy 1JJ (CMD1JJ). Identifiers: Orphanet 154, MedGen C3808935, MONDO:0014095, OMIM 615235.

Allele frequency attached by ClinVar (database versions not stated): gnomAD 0.00001; TOPMed 0.00001; gnomAD exomes 0.00002.
gnomAD v4.1: 34 of 1,612,904 alleles (0.0021%); highest among the groups gnomAD compares: Non-Finnish European, 0.0028%; no homozygotes.

Submissions (3):

Labcorp Genetics (formerly Invitae), Labcorp
Classification: Uncertain significance for Dilated cardiomyopathy 1JJ. Last evaluated: 2025-10-01. Review status: criteria provided, single submitter. Criteria: Invitae Variant Classification Sherloc (09022015). Collection method: clinical testing. Allele origin: germline.
Comment: This sequence change replaces aspartic acid, which is acidic and polar, with histidine, which is basic and polar, at codon 907 of the LAMA4 protein (p.Asp907His). This variant is present in population databases (no rsID available, gnomAD 0.002%). This variant has not been reported in the literature in individuals affected with LAMA4-related conditions. ClinVar contains an entry for this variant (Variation ID: 2037315). Invitae Evidence Modeling of protein sequence and biophysical properties (such as structural, functional, and spatial information, amino acid conservation, physicochemical variation, residue mobility, and thermodynamic stability) indicates that this missense variant is expected to disrupt LAMA4 protein function with a positive predictive value of 80%. In summary, the available evidence is currently insufficient to determine the role of this variant in disease. Therefore, it has been classified as a Variant of Uncertain Significance.

Ambry Genetics
Classification: Uncertain significance for Cardiovascular phenotype. Last evaluated: 2025-04-30. Review status: criteria provided, single submitter. Criteria: Ambry Variant Classification Scheme 2023. Collection method: clinical testing. Allele origin: germline.
Comment: The p.D907H variant (also known as c.2719G>C), located in coding exon 20 of the LAMA4 gene, results from a G to C substitution at nucleotide position 2719. The aspartic acid at codon 907 is replaced by histidine, an amino acid with similar properties. This amino acid position is conserved. In addition, this alteration is predicted to be deleterious by in silico analysis. Since supporting evidence is limited at this time, the clinical significance of this alteration remains unclear.

GeneDx
Classification: Uncertain significance. Last evaluated: 2024-12-03. Review status: criteria provided, single submitter. Criteria: GeneDx Variant Classification Process June 2021. Collection method: clinical testing. Allele origin: germline. Affected: yes.
Comment: Not observed at significant frequency in large population cohorts (gnomAD); In silico analysis supports that this missense variant has a deleterious effect on protein structure/function; Has not been previously published as pathogenic or benign to our knowledge

NM_001105206.3(LAMA4):c.2740G>C (p.Asp914His)

Genes: LAMA4 (laminin subunit alpha 4; minus strand), LOC126859766 (MED14-independent group 3 enhancer GRCh37_chr6:112462018-112463217; plus strand). Cytogenetic location: 6q21.
Variant type: single nucleotide variant.
Coding change: c.2740G>C on transcript NM_001105206.3 (MANE Select); coding-DNA position 2740, G replaced by C.
Protein change: p.Asp914His; replaces aspartic acid 914 with histidine.
Molecular consequence: missense variant.
Genome position (GRCh38, 1-based): chr6:112,141,431, C>G on the plus strand (G>C on the coding strand, the complement: LAMA4 is on the minus strand). VCF-style: chr6-112141431-C-G. GRCh37 (hg19) VCF-style: chr6-112462633-C-G.
Other names: c.2719G>C, p.Asp907His (NM_001105207.3, NM_002290.5); short protein forms D907H, D914H.
Identifiers: ClinVar variation 2037315 (VCV002037315.8), dbSNP rs1338626184, ClinGen allele CA365380216.